The following is an entry in ClinVar:

NM_004320.6(ATP2A1):c.2290C>T (p.Leu764Phe)

Gene: ATP2A1 (ATPase sarcoplasmic/endoplasmic reticulum Ca2+ transporting 1; plus strand). Cytogenetic location: 16p11.2.
Variant type: single nucleotide variant.
Coding change: c.2290C>T on transcript NM_004320.6 (MANE Select); coding-DNA position 2290, C replaced by T.
Protein change: p.Leu764Phe; replaces leucine 764 with phenylalanine.
Molecular consequence: missense variant.
Genome position (GRCh38, 1-based): chr16:28,902,052, C>T. VCF-style: chr16-28902052-C-T. GRCh37 (hg19) VCF-style: chr16-28913373-C-T.
Other names: c.1915C>T, p.Leu639Phe (NM_001286075.2); c.2290C>T, p.Leu764Phe (NM_173201.5); short protein forms L764F, L639F.
Identifiers: ClinVar variation 1394917 (VCV001394917.8), dbSNP rs2152214409, ClinGen allele CA395413326.
Genomic context (GRCh38, chr16:28,902,052, plus strand): 5'-GTAGCTGCTGTGGAGGAGGGCCGCGCCATCTACAACAACATGAAGCAGTTCATCCGCTAC[C>T]TCATTTCCTCCAACGTGGGCGAGGTGGTCTGGTGAGCAGCTGGGTGGGCGTCCAGGAGGA-3'
Protein context (NP_004311.1, residues 754-774): YNNMKQFIRY[Leu764Phe]ISSNVGEVVC

ClinVar aggregate classification (germline): Uncertain significance (1 of 4 stars; one submission).

Conditions:
Brody myopathy. Also called: BRODY DISEASE. Identifiers: Orphanet 53347, MedGen C1832918, MONDO:0010977, OMIM 601003.

Submission:

Labcorp Genetics (formerly Invitae), Labcorp
Classification: Uncertain significance for Brody myopathy. Last evaluated: 2022-08-16. Review status: criteria provided, single submitter. Criteria: Invitae Variant Classification Sherloc (09022015). Collection method: clinical testing. Allele origin: germline.
Comment: In summary, the available evidence is currently insufficient to determine the role of this variant in disease. Therefore, it has been classified as a Variant of Uncertain Significance. Algorithms developed to predict the effect of missense changes on protein structure and function are either unavailable or do not agree on the potential impact of this missense change (SIFT: "Deleterious"; PolyPhen-2: "Probably Damaging"; Align-GVGD: "Class C0"). ClinVar contains an entry for this variant (Variation ID: 1394917). This variant has not been reported in the literature in individuals affected with ATP2A1-related conditions. This variant is not present in population databases (gnomAD no frequency). This sequence change replaces leucine, which is neutral and non-polar, with phenylalanine, which is neutral and non-polar, at codon 764 of the ATP2A1 protein (p.Leu764Phe).